The following is an entry in ClinVar:

ClinVar aggregate classification (germline): Uncertain significance (1 of 4 stars; one submission).

Submission:

Ambry Genetics
Classification: Uncertain significance. Last evaluated: 2024-07-28. Review status: criteria provided, single submitter. Criteria: Ambry Variant Classification Scheme 2023. Collection method: clinical testing. Allele origin: germline.
Comment: The p.A704G variant (also known as c.2111C>G), located in coding exon 21 of the KIF1B gene, results from a C to G substitution at nucleotide position 2111. The alanine at codon 704 is replaced by glycine, an amino acid with similar properties. This amino acid position is highly conserved in available vertebrate species. In addition, the in silico prediction for this alteration is inconclusive. Since supporting evidence is limited at this time, the clinical significance of this alteration remains unclear.

NM_001365951.3(KIF1B):c.2249C>G (p.Ala750Gly)

Gene: KIF1B (kinesin family member 1B; plus strand). Cytogenetic location: 1p36.22.
Variant type: single nucleotide variant.
Coding change: c.2249C>G on transcript NM_001365951.3 (MANE Select); coding-DNA position 2249, C replaced by G.
Protein change: p.Ala750Gly; replaces alanine 750 with glycine.
Molecular consequence: missense variant.
Genome position (GRCh38, 1-based): chr1:10,321,748, C>G. VCF-style: chr1-10321748-C-G. GRCh37 (hg19) VCF-style: chr1-10381806-C-G.
Other names: c.2249C>G, p.Ala750Gly (NM_001365952.1); c.2111C>G, p.Ala704Gly (NM_015074.3); short protein forms A704G, A750G.
Identifiers: ClinVar variation 1786116 (VCV001786116.3), dbSNP rs2521606893, ClinGen allele CA338332738.
Genomic context (GRCh38, chr1:10,321,748, plus strand): 5'-ATGCATCATTCATTCTTTCAGTTCCTTGGACACAGCATGAATTTGAGTTGGCCCAATGGG[C>G]CTTCCGGAAATGGAAGTCTCATCAGTTTACTTCATTACGGGACTTACTCTGGGGCAATGC-3'
Protein context (NP_001352880.1, residues 740-760): TQHEFELAQW[Ala750Gly]FRKWKSHQFT